The following is an entry in ClinVar:

NM_001267550.2(TTN):c.55910G>A (p.Arg18637His)

Genes: TTN (titin; minus strand), TTN-AS1 (TTN antisense RNA 1; plus strand). Cytogenetic location: 2q31.2.
Variant type: single nucleotide variant.
Coding change: c.55910G>A on transcript NM_001267550.2 (MANE Select); coding-DNA position 55910, G replaced by A.
Protein change: p.Arg18637His; replaces arginine 18637 with histidine.
Molecular consequence: missense variant.
Genome position (GRCh38, 1-based): chr2:178,600,994, C>T on the plus strand (G>A on the coding strand, the complement: TTN is on the minus strand). VCF-style: chr2-178600994-C-T. GRCh37 (hg19) VCF-style: chr2-179465721-C-T.
Other names: c.50987G>A, p.Arg16996His (NM_001256850.1); c.28715G>A, p.Arg9572His (NM_003319.4); c.48206G>A, p.Arg16069His (NM_133378.4); c.29090G>A, p.Arg9697His (NM_133432.3); c.29291G>A, p.Arg9764His (NM_133437.4); short protein forms R18637H, R16069H, R9572H, R9764H, R16996H, R9697H.
Identifiers: ClinVar variation 535315 (VCV000535315.4), dbSNP rs758627195, ClinGen allele CA1993361.
Genomic context (GRCh38, chr2:178,600,994, plus strand): 5'-AATTCATATTCCCCACCCTCTACTAGGTCTTCAACAGTAAATTGCAGTTCTTCCACATCA[C>T]GCTTATTGCACTGCCTCCAGGCTTCTTTCTTTGTCCCAGTAGGGTCCCATGCAAGGCACT-3'
Protein context (NP_001254479.2, residues 18627-18647): KKEAWRQCNK[Arg18637His]DVEELQFTVE

ClinVar aggregate classification (germline): Uncertain significance. Review status: criteria provided, single submitter (1 of 4 stars). 2 submissions from 2 submitters: Uncertain significance (1). 1 of the submissions does not count toward it. Last evaluated 2017-09-13.

Conditions:
TTN-related disorder. Also called: TTN-related disorders; TTN-related condition; TTN-related disease.
Autosomal recessive limb-girdle muscular dystrophy type 2J (LGMDR10). Also called: Limb-girdle muscular dystrophy, type 2J; MUSCULAR DYSTROPHY, LIMB-GIRDLE, AUTOSOMAL RECESSIVE 10. Identifiers: Orphanet 140922, MedGen C1837342, MONDO:0012127, OMIM 608807.
Dilated cardiomyopathy 1G (CMD1G). Identifiers: Orphanet 154, MedGen C1858763, MONDO:0011400, OMIM 604145.

Allele frequency attached by ClinVar (database versions not stated): gnomAD 0.00001 and 0.00002; ExAC 0.00002; gnomAD exomes 0.00002; TOPMed 0.00002.
gnomAD v4.1: 29 of 1,612,998 alleles (0.0018%); highest among the groups gnomAD compares: South Asian, 0.027%; no homozygotes.

Submissions (2):

Labcorp Genetics (formerly Invitae), Labcorp
Classification: Uncertain significance for Dilated cardiomyopathy 1G; Autosomal recessive limb-girdle muscular dystrophy type 2J. Last evaluated: 2017-09-13. Review status: criteria provided, single submitter. Criteria: Invitae Variant Classification Sherloc (09022015). Collection method: clinical testing. Allele origin: germline.

PreventionGenetics, part of Exact Sciences
Classification: Uncertain significance for TTN-related condition. Last evaluated: 2024-06-29. Review status: no assertion criteria provided. Collection method: clinical testing. Allele origin: germline. Not counted in ClinVar's aggregate classification.
Comment: The TTN c.55910G>A variant is predicted to result in the amino acid substitution p.Arg18637His. To our knowledge, this variant has not been reported in the literature. This variant is reported in 0.0098% of alleles in individuals of South Asian descent in gnomAD. At this time, the clinical significance of this variant is uncertain due to the absence of conclusive functional and genetic evidence.